The following is an entry in ClinVar:

ClinVar aggregate classification (germline): Benign/Likely benign. Review status: criteria provided, multiple submitters, no conflicts (2 of 4 stars). 5 submissions from 5 submitters: Benign (1); Likely benign (4). Last evaluated 2026-03-01.

Conditions:
Hereditary nonpolyposis colorectal neoplasms. Identifiers: MedGen C0009405, MeSH D003123.
Hereditary cancer-predisposing syndrome. Also called: Hereditary Cancer Syndrome; Neoplastic Syndromes, Hereditary; Hereditary neoplastic syndrome; Tumor predisposition. Identifiers: Orphanet 140162, MedGen C0027672, MeSH D009386, MONDO:0015356.
Lynch syndrome 4 (LYNCH4). Also called: Colorectal cancer, hereditary nonpolyposis, type 4; Hereditary non-polyposis colorectal cancer, type 4. Identifiers: Orphanet 144, MedGen C1838333, MONDO:0013699, OMIM 614337. Disease mechanism: loss of function.

Allele frequency attached by ClinVar (database versions not stated): gnomAD exomes below 0.00001.
gnomAD v4.1: 2 of 1,613,394 alleles (0.00012%); highest among the groups gnomAD compares: Non-Finnish European, 0.00017%; no homozygotes.

Submissions (5):

CeGaT Center for Human Genetics Tuebingen
Classification: Likely benign. Last evaluated: 2026-03-01. Review status: criteria provided, single submitter. Criteria: CeGaT Center For Human Genetics Tuebingen Variant Classification Criteria Version 2. Collection method: clinical testing. Allele origin: germline. Affected: yes. Observed: 1 variant allele.
Comment: PMS2: BP4, BP7

Labcorp Genetics (formerly Invitae), Labcorp
Classification: Likely benign for Hereditary nonpolyposis colorectal neoplasms. Last evaluated: 2025-06-22. Review status: criteria provided, single submitter. Criteria: Invitae Variant Classification Sherloc (09022015). Collection method: clinical testing. Allele origin: germline.

Myriad Genetics, Inc.
Classification: Benign for Lynch syndrome 4. Last evaluated: 2025-01-30. Review status: criteria provided, single submitter. Criteria: Myriad Autosomal Dominant, Autosomal Recessive and X-Linked Classification Criteria (2023). Collection method: clinical testing. Allele origin: unknown.
Comment: This variant is considered benign. This variant is a silent/synonymous amino acid change and it is not expected to impact splicing.

Ambry Genetics
Classification: Likely benign for Hereditary cancer-predisposing syndrome. Last evaluated: 2024-08-27. Review status: criteria provided, single submitter. Criteria: Ambry Variant Classification Scheme 2023. Collection method: clinical testing. Allele origin: germline.

Color Diagnostics, LLC DBA Color Health
Classification: Likely benign for Hereditary cancer-predisposing syndrome. Last evaluated: 2021-10-19. Review status: criteria provided, single submitter. Criteria: ACMG Guidelines, 2015. Collection method: clinical testing. Allele origin: germline.

NM_000535.7(PMS2):c.1206A>G (p.Gln402=)

Gene: PMS2 (PMS1 homolog 2, mismatch repair system component; minus strand). Cytogenetic location: 7p22.1.
Variant type: single nucleotide variant.
Coding change: c.1206A>G on transcript NM_000535.7 (MANE Select); coding-DNA position 1206, A replaced by G.
Protein change: p.Gln402=; no amino-acid change (glutamine 402 retained).
Molecular consequence: synonymous variant. On other transcripts: non-coding transcript variant (1), intron variant (1).
Genome position (GRCh38, 1-based): chr7:5,987,559, T>C on the plus strand (A>G on the coding strand, the complement: PMS2 is on the minus strand). VCF-style: chr7-5987559-T-C. GRCh37 (hg19) VCF-style: chr7-6027190-T-C.
Other names: c.801A>G, p.Gln267= (NM_001018040.1, NM_001322003.2, NM_001322004.2 and 17 more transcripts); c.1050A>G, p.Gln350= (NM_001322006.2, NM_001406870.1); c.888A>G, p.Gln296= (NM_001322007.2, NM_001322008.2, NM_001406876.1 and 2 more transcripts); c.645A>G, p.Gln215= (NM_001322010.2, NM_001406906.1, NM_001406907.1); c.273A>G, p.Gln91= (NM_001322011.2, NM_001322012.2); c.633A>G, p.Gln211= (NM_001322013.2, NM_001406909.1); c.1206A>G, p.Gln402= (NM_001322014.2, NM_001406871.1, NM_001406872.1); c.897A>G, p.Gln299= (NM_001322015.2, NM_001406875.1, NM_001406877.1 and 5 more transcripts); and 13 more.
Identifiers: ClinVar variation 2159844 (VCV002159844.12), dbSNP rs2128736217, ClinGen allele CA453748614.